The following is an entry in ClinVar:

NM_002168.4(IDH2):c.532C>T (p.Gln178Ter)

Gene: IDH2 (isocitrate dehydrogenase (NADP(+)) 2; minus strand). Cytogenetic location: 15q26.1.
Variant type: single nucleotide variant.
Coding change: c.532C>T on transcript NM_002168.4 (MANE Select); coding-DNA position 532, C replaced by T.
Protein change: p.Gln178Ter; replaces glutamine 178 with a stop codon.
Molecular consequence: nonsense.
Genome position (GRCh38, 1-based): chr15:90,088,589, G>A on the plus strand (C>T on the coding strand, the complement: IDH2 is on the minus strand). VCF-style: chr15-90088589-G-A. GRCh37 (hg19) VCF-style: chr15-90631821-G-A.
Other names: c.376C>T, p.Gln126Ter (NM_001289910.1); c.142C>T, p.Gln48Ter (NM_001290114.2); short protein forms Q126*, Q178*, Q48*.
Identifiers: ClinVar variation 1310584 (VCV001310584.2), dbSNP rs763369478, ClinGen allele CA7733169.

ClinVar aggregate classification (germline): Uncertain significance (1 of 4 stars; one submission).

Allele frequency attached by ClinVar (database versions not stated): gnomAD exomes below 0.00001; ExAC 0.00001; gnomAD 0.00001 and 0.00008; TOPMed 0.00012.
gnomAD v4.1: 15 of 1,614,110 alleles (0.00093%); highest among the groups gnomAD compares: Non-Finnish European, 0.00025%; no homozygotes.

Submission:

GeneDx
Classification: Uncertain significance. Last evaluated: 2019-11-19. Review status: criteria provided, single submitter. Criteria: GeneDx Variant Classification Process June 2021. Collection method: clinical testing. Allele origin: germline. Affected: yes.
Comment: Nonsense variant predicted to result in protein truncation or nonsense mediated decay in a gene for which loss-of-function is not a known mechanism of disease; Has not been previously published as pathogenic or benign to our knowledge